The following is an entry in ClinVar:

ClinVar aggregate classification (germline): Uncertain significance (1 of 4 stars; one submission).

gnomAD v4.1: 1 of 1,614,196 alleles (0.000062%); highest among the groups gnomAD compares: Non-Finnish European, 0.000085%; no homozygotes.

Submission:

Labcorp Genetics (formerly Invitae), Labcorp
Classification: Uncertain significance. Last evaluated: 2025-09-14. Review status: criteria provided, single submitter. Criteria: Invitae Variant Classification Sherloc (09022015). Collection method: clinical testing. Allele origin: germline.
Comment: This sequence change falls in intron 4 of the UNC119 gene. It does not directly change the encoded amino acid sequence of the UNC119 protein. It affects a nucleotide within the consensus splice site. This variant is not present in population databases (gnomAD no frequency). This variant has not been reported in the literature in individuals affected with UNC119-related conditions. Variants that disrupt the consensus splice site are a relatively common cause of aberrant splicing (PMID: 17576681, 9536098). Algorithms developed to predict the effect of sequence changes on RNA splicing suggest that this variant may disrupt the consensus splice site. In summary, the available evidence is currently insufficient to determine the role of this variant in disease. Therefore, it has been classified as a Variant of Uncertain Significance.

Literature cited by the submitters: PubMed 17576681; PubMed 9536098.

NM_005148.4(UNC119):c.610+4C>T

Gene: UNC119 (unc-119 lipid binding chaperone; minus strand). Cytogenetic location: 17q11.2.
Variant type: single nucleotide variant.
Coding change: c.610+4C>T on transcript NM_005148.4 (MANE Select); 4 bases into the intron after coding-DNA position 610, C replaced by T.
Molecular consequence: intron variant. On other transcripts: missense variant (1).
Genome position (GRCh38, 1-based): chr17:28,547,673, G>A on the plus strand (C>T on the coding strand, the complement: UNC119 is on the minus strand). VCF-style: chr17-28547673-G-A. GRCh37 (hg19) VCF-style: chr17-26874691-G-A.
Other names: c.614C>T, p.Ala205Val (NM_054035.2); c.325+4C>T (NM_001330166.2); short protein forms A205V.
Identifiers: ClinVar variation 4704775 (VCV004704775.1).
Genomic context (GRCh38, chr17:28,547,673, plus strand): 5'-CCTCCCGCAGCTCAGTCTCTAGACGCCCCCACTTCCCCACTCCCAGAAGACCCTGCCCGC[G>A]CACTCAGCTCCTCGGAGAGAGGGGGGAAGTCGTAAATGTGCTCGCAGGTGTTCTTGCTGC-3'